The following is an entry in ClinVar:

NM_003242.6(TGFBR2):c.199_203del (p.Cys67fs)

Gene: TGFBR2 (transforming growth factor beta receptor 2; plus strand). Cytogenetic location: 3p24.1.
Variant type: Deletion.
Coding change: c.199_203del on transcript NM_003242.6 (MANE Select); coding-DNA positions 199 to 203, 5 bases deleted (TGCAT; older notation c.199_203delTGCAT).
Protein change: p.Cys67fs; shifts the reading frame from cysteine 67.
Molecular consequence: frameshift variant. On other transcripts: intron variant (2).
Genome position (GRCh38, 1-based): chr3:30,644,851-30,644,855, TGCAT deleted. VCF-style (leftmost placement, unchanged base first): chr3-30644850-CTGCAT-C. GRCh37 (hg19) VCF-style: chr3-30686342-CTGCAT-C.
Other names: c.274_278del, p.Cys92fs (NM_001024847.3, NM_001407126.1, NM_001407139.1); c.199_203del, p.Cys67fs (NM_001407127.1, NM_001407130.1); c.226_230del, p.Cys76fs (NM_001407128.1); c.94_98del, p.Cys32fs (NM_001407129.1, NM_001407132.1, NM_001407133.1 and 3 more transcripts); c.169+21578_169+21582del (NM_001407137.1); c.95-26787_95-26783del (NM_001407138.1); short protein forms C32fs, C67fs, C76fs, C92fs.
Identifiers: ClinVar variation 2774564 (VCV002774564.2), dbSNP rs2470510207, ClinGen allele CA2697550743.

ClinVar aggregate classification (germline): Uncertain significance (1 of 4 stars; one submission).

Conditions:
Familial thoracic aortic aneurysm and aortic dissection (TAAD). Also called: Thoracic aortic aneurysms and dissections. Identifiers: Orphanet 91387, MedGen C4707243, MONDO:0019625.

Submission:

Color Diagnostics, LLC DBA Color Health
Classification: Uncertain significance for Familial thoracic aortic aneurysm and aortic dissection. Last evaluated: 2021-12-13. Review status: criteria provided, single submitter. Criteria: ACMG Guidelines, 2015. Collection method: clinical testing. Allele origin: germline.
Comment: This variant deletes 5 nucleotides in exon 2 of the TGFBR2 gene, creating a frameshift and premature translation stop signal. This variant is expected to result in an absent or non-functional protein product. To our knowledge, this variant has not been reported in individuals affected with cardiovascular disorders in the literature. This variant has not been identified in the general population by the Genome Aggregation Database (gnomAD). The role of loss-of-function TGFBR2 truncation and splice variants in autosomal dominant cardiovascular disorders is not clearly established. The available evidence is insufficient to determine the role of this variant in disease conclusively. Therefore, this variant is classified as a Variant of Uncertain Significance.